The following is an entry in ClinVar:

NM_001367823.1(ARHGEF18):c.3475G>A (p.Ala1159Thr)

Gene: ARHGEF18 (Rho/Rac guanine nucleotide exchange factor 18; plus strand). Cytogenetic location: 19p13.2.
Variant type: single nucleotide variant.
Coding change: c.3475G>A on transcript NM_001367823.1 (MANE Select); coding-DNA position 3475, G replaced by A.
Protein change: p.Ala1159Thr; replaces alanine 1159 with threonine.
Molecular consequence: missense variant.
Genome position (GRCh38, 1-based): chr19:7,467,679, G>A. VCF-style: chr19-7467679-G-A. GRCh37 (hg19) VCF-style: chr19-7532565-G-A.
Other names: c.2749G>A, p.Ala917Thr (NM_001130955.2); c.2437G>A, p.Ala813Thr (NM_001367824.1, NM_015318.4); c.2911G>A (NM_001130955.1); short protein forms A1159T, A917T, A813T.
Identifiers: ClinVar variation 1954513 (VCV001954513.4), dbSNP rs534187677, ClinGen allele CA304856659.

ClinVar aggregate classification (germline): Conflicting classifications of pathogenicity. Review status: criteria provided, conflicting classifications (1 of 4 stars). 2 submissions from 2 submitters: Uncertain significance (1); Likely benign (1). Last evaluated 2025-08-11.

Conditions:
Inborn genetic diseases. Identifiers: MedGen C0950123, MeSH D030342.

Allele frequency attached by ClinVar (database versions not stated): TOPMed 0.00002; 1000 Genomes Project 0.00020; gnomAD exomes 0.00001; gnomAD 0.00003; 1000 Genomes Project 30x 0.00016.
gnomAD v4.1: 14 of 1,499,486 alleles (0.00093%); highest among the groups gnomAD compares: East Asian, 0.031%; no homozygotes.

Submissions (2):

Labcorp Genetics (formerly Invitae), Labcorp
Classification: Uncertain significance. Last evaluated: 2025-08-11. Review status: criteria provided, single submitter. Criteria: Invitae Variant Classification Sherloc (09022015). Collection method: clinical testing. Allele origin: germline.
Comment: This sequence change replaces alanine, which is neutral and non-polar, with threonine, which is neutral and polar, at codon 971 of the ARHGEF18 protein (p.Ala971Thr). The frequency data for this variant in the population databases is considered unreliable, as metrics indicate poor data quality at this position in the gnomAD database. This variant has not been reported in the literature in individuals affected with ARHGEF18-related conditions. ClinVar contains an entry for this variant (Variation ID: 1954513). An algorithm developed to predict the effect of missense changes on protein structure and function outputs the following: PolyPhen-2: "Benign". The threonine amino acid residue is found in multiple mammalian species, which suggests that this missense change does not adversely affect protein function. In summary, the available evidence is currently insufficient to determine the role of this variant in disease. Therefore, it has been classified as a Variant of Uncertain Significance.

Ambry Genetics
Classification: Likely benign for Inborn genetic diseases. Last evaluated: 2024-02-05. Review status: criteria provided, single submitter. Criteria: Ambry Variant Classification Scheme 2023. Collection method: clinical testing. Allele origin: germline.